The following is an entry in ClinVar:

NM_001042413.2(GLIS3):c.1983+3A>T

Gene: GLIS3 (GLIS family zinc finger 3; minus strand). Cytogenetic location: 9p24.2.
Variant type: single nucleotide variant.
Coding change: c.1983+3A>T on transcript NM_001042413.2 (MANE Select); 3 bases into the intron after coding-DNA position 1983, A replaced by T.
Molecular consequence: intron variant.
Genome position (GRCh38, 1-based): chr9:3,932,357, T>A on the plus strand (A>T on the coding strand, the complement: GLIS3 is on the minus strand). VCF-style: chr9-3932357-T-A. GRCh37 (hg19) VCF-style: chr9-3932357-T-A.
Other names: c.1518+3A>T (NM_152629.4).
Identifiers: ClinVar variation 1498199 (VCV001498199.6), dbSNP rs1825674540, ClinGen allele CA2573144473.

ClinVar aggregate classification (germline): Uncertain significance (1 of 4 stars; one submission).

Submission:

Labcorp Genetics (formerly Invitae), Labcorp
Classification: Uncertain significance. Last evaluated: 2021-05-03. Review status: criteria provided, single submitter. Criteria: Invitae Variant Classification Sherloc (09022015). Collection method: clinical testing. Allele origin: germline.
Comment: In summary, the available evidence is currently insufficient to determine the role of this variant in disease. Therefore, it has been classified as a Variant of Uncertain Significance. Nucleotide substitutions within the consensus splice site are a relatively common cause of aberrant splicing (PMID: 17576681, 9536098). Algorithms developed to predict the effect of sequence changes on RNA splicing suggest that this variant may disrupt the consensus splice site, but this prediction has not been confirmed by published transcriptional studies. This variant has not been reported in the literature in individuals with GLIS3-related conditions. This variant is not present in population databases (ExAC no frequency). This sequence change falls in intron 5 of the GLIS3 gene. It does not directly change the encoded amino acid sequence of the GLIS3 protein. It affects a nucleotide within the consensus splice site of the intron.

Literature cited by the submitters: PubMed 17576681; PubMed 9536098.